The following is an entry in ClinVar:

ClinVar aggregate classification (germline): Uncertain significance. Review status: criteria provided, multiple submitters, no conflicts (2 of 4 stars). 2 submissions from 2 submitters: Uncertain significance (2). Last evaluated 2023-04-20.

Conditions:
Idiopathic generalized epilepsy. Also called: Generalised epilepsy; EIG. Identifiers: MedGen C0270850, MONDO:0005579, OMIM 600669.
Inborn genetic diseases. Identifiers: MedGen C0950123, MeSH D030342.

Allele frequency attached by ClinVar (database versions not stated): gnomAD exomes 0.00002 and 0.00006; ExAC 0.00003; TOPMed 0.00003; gnomAD 0.00004; ESP Exome Variant Server 0.00015.
gnomAD v4.1: 98 of 1,613,816 alleles (0.0061%); highest among the groups gnomAD compares: Middle Eastern, 0.016%; no homozygotes.

Submissions (2):

Ambry Genetics
Classification: Uncertain significance for Inborn genetic diseases. Last evaluated: 2023-04-20. Review status: criteria provided, single submitter. Criteria: Ambry Variant Classification Scheme 2023. Collection method: clinical testing. Allele origin: germline.

Labcorp Genetics (formerly Invitae), Labcorp
Classification: Uncertain significance for Idiopathic generalized epilepsy. Last evaluated: 2019-11-14. Review status: criteria provided, single submitter. Criteria: Invitae Variant Classification Sherloc (09022015). Collection method: clinical testing. Allele origin: germline.
Comment: This sequence change replaces alanine with valine at codon 21 of the RBFOX1 protein (p.Ala21Val). The alanine residue is moderately conserved and there is a small physicochemical difference between alanine and valine. In summary, the available evidence is currently insufficient to determine the role of this variant in disease. Therefore, it has been classified as a Variant of Uncertain Significance. Algorithms developed to predict the effect of missense changes on protein structure and function are either unavailable or do not agree on the potential impact of this missense change (SIFT: "Tolerated"; PolyPhen-2: "Probably Damaging"; Align-GVGD: "Class C0"). This variant has not been reported in the literature in individuals with RBFOX1-related conditions. The frequency data for this variant in the population databases is considered unreliable, as metrics indicate poor data quality at this position in the ExAC database.

NM_145893.3(RBFOX1):c.62C>T (p.Ala21Val)

Gene: RBFOX1 (RNA binding fox-1 homolog 1; plus strand). Cytogenetic location: 16p13.3.
Variant type: single nucleotide variant.
Coding change: c.62C>T on transcript NM_145893.3 (MANE Plus Clinical); coding-DNA position 62, C replaced by T.
Protein change: p.Ala21Val; replaces alanine 21 with valine.
Molecular consequence: missense variant. On other transcripts: intron variant (5).
Genome position (GRCh38, 1-based): chr16:7,333,063, C>T. VCF-style: chr16-7333063-C-T. GRCh37 (hg19) VCF-style: chr16-7383064-C-T.
Other names: c.62C>T, p.Ala21Val (NM_145891.3, NM_145892.3); c.28-185084C>T (NM_001364800.2, NM_018723.4, NM_001142333.2 and 1 more transcripts); c.157-185084C>T (NM_001308117.1); short protein forms A21V.
Identifiers: ClinVar variation 953614 (VCV000953614.12), dbSNP rs375723096, ClinGen allele CA7891242.